The following is an entry in ClinVar:

NM_015978.3(TNNI3K):c.1322-3del

Genes: FPGT-TNNI3K (FPGT-TNNI3K readthrough; plus strand), TNNI3K (TNNI3 interacting kinase; plus strand). Cytogenetic location: 1p31.1.
Variant type: Deletion.
Coding change: c.1322-3del on transcript NM_015978.3 (MANE Select); 3 bases into the intron before coding-DNA position 1322, one base deleted (C; older notation c.1322-3delC).
Molecular consequence: intron variant.
Genome position (GRCh38, 1-based): chr1:74,369,019, C deleted. VCF-style (leftmost placement, unchanged base first): chr1-74369018-GC-G. GRCh37 (hg19) VCF-style: chr1-74834702-GC-G.
Other names: c.1625-3del (NM_001112808.3, NM_001199327.2).
Identifiers: ClinVar variation 1367732 (VCV001367732.6), dbSNP rs2100519275, ClinGen allele CA913077049.

ClinVar aggregate classification (germline): Uncertain significance (1 of 4 stars; one submission).

Submission:

Labcorp Genetics (formerly Invitae), Labcorp
Classification: Uncertain significance. Last evaluated: 2023-02-26. Review status: criteria provided, single submitter. Criteria: Invitae Variant Classification Sherloc (09022015). Collection method: clinical testing. Allele origin: germline.
Comment: In summary, the available evidence is currently insufficient to determine the role of this variant in disease. Therefore, it has been classified as a Variant of Uncertain Significance. Variants that disrupt the consensus splice site are a relatively common cause of aberrant splicing (PMID: 17576681, 9536098). Algorithms developed to predict the effect of sequence changes on RNA splicing suggest that this variant may disrupt the consensus splice site. ClinVar contains an entry for this variant (Variation ID: 1367732). This variant has not been reported in the literature in individuals affected with TNNI3K-related conditions. This variant is not present in population databases (gnomAD no frequency). This sequence change falls in intron 13 of the TNNI3K gene. It does not directly change the encoded amino acid sequence of the TNNI3K protein. It affects a nucleotide within the consensus splice site.

Literature cited by the submitters: PubMed 17576681; PubMed 9536098.